The following is an entry in ClinVar:

ClinVar aggregate classification (germline): Uncertain significance (1 of 4 stars; one submission).

Submission:

Labcorp Genetics (formerly Invitae), Labcorp
Classification: Uncertain significance. Last evaluated: 2022-08-22. Review status: criteria provided, single submitter. Criteria: Invitae Variant Classification Sherloc (09022015). Collection method: clinical testing. Allele origin: germline.
Comment: In summary, the available evidence is currently insufficient to determine the role of this variant in disease. Therefore, it has been classified as a Variant of Uncertain Significance. Algorithms developed to predict the effect of missense changes on protein structure and function are either unavailable or do not agree on the potential impact of this missense change (SIFT: "Tolerated"; PolyPhen-2: "Probably Damaging"; Align-GVGD: "Class C0"). This variant has not been reported in the literature in individuals affected with ACTN1-related conditions. This variant is not present in population databases (gnomAD no frequency). This sequence change replaces isoleucine, which is neutral and non-polar, with threonine, which is neutral and polar, at codon 743 of the ACTN1 protein (p.Ile743Thr).

NM_001130004.2(ACTN1):c.2228T>C (p.Ile743Thr)

Gene: ACTN1 (actinin alpha 1; minus strand). Cytogenetic location: 14q24.1.
Variant type: single nucleotide variant.
Coding change: c.2228T>C on transcript NM_001130004.2 (MANE Select); coding-DNA position 2228, T replaced by C.
Protein change: p.Ile743Thr; replaces isoleucine 743 with threonine.
Molecular consequence: missense variant.
Genome position (GRCh38, 1-based): chr14:68,880,014, A>G on the plus strand (T>C on the coding strand, the complement: ACTN1 is on the minus strand). VCF-style: chr14-68880014-A-G. GRCh37 (hg19) VCF-style: chr14-69346731-A-G.
Other names: c.2228T>C, p.Ile743Thr (NM_001102.4, NM_001130005.2); c.2252T>C, p.Ile751Thr (NM_001411035.1); c.2033T>C, p.Ile678Thr (NM_001411036.1); short protein forms I751T, I678T, I743T.
Identifiers: ClinVar variation 2026146 (VCV002026146.4), dbSNP rs2503156918, ClinGen allele CA390181640.